The following is an entry in ClinVar:

NM_002617.4(PEX10):c.428G>A (p.Arg143His)

Gene: PEX10 (peroxisomal biogenesis factor 10; minus strand). Cytogenetic location: 1p36.32.
Variant type: single nucleotide variant.
Coding change: c.428G>A on transcript NM_002617.4 (MANE Select); coding-DNA position 428, G replaced by A.
Protein change: p.Arg143His; replaces arginine 143 with histidine.
Molecular consequence: missense variant. On other transcripts: 5 prime UTR variant (2), non-coding transcript variant (1).
Genome position (GRCh38, 1-based): chr1:2,408,624, C>T on the plus strand (G>A on the coding strand, the complement: PEX10 is on the minus strand). VCF-style: chr1-2408624-C-T. GRCh37 (hg19) VCF-style: chr1-2340063-C-T.
Other names: p.Arg143His; c.428G>A, p.Arg143His (NM_001374425.1, NM_153818.2); c.-5G>A (NM_001374426.1, NM_001374427.1); c.428G>A (NM_153818.1); short protein forms R143H.
Identifiers: ClinVar variation 1505575 (VCV001505575.6), dbSNP rs766596553, ClinGen allele CA538175.

ClinVar aggregate classification (germline): Uncertain significance. Review status: criteria provided, multiple submitters, no conflicts (2 of 4 stars). 4 submissions from 4 submitters: Uncertain significance (3). 1 of the submissions does not count toward it. Last evaluated 2023-09-29.

Conditions:
PEX10-related disorder. Also called: PEX10-related condition.
Inborn genetic diseases. Identifiers: MedGen C0950123, MeSH D030342.
Peroxisome biogenesis disorder, complementation group 7 (CG7). Also called: Peroxisome biogenesis disorder, complementation group B. Identifiers: MedGen C1864399.

Allele frequency attached by ClinVar (database versions not stated): gnomAD exomes 0.00003 and 0.00009; gnomAD 0.00005; TOPMed 0.00009; ExAC 0.00012.
gnomAD v4.1: 58 of 1,610,420 alleles (0.0036%); highest among the groups gnomAD compares: East Asian, 0.02%; no homozygotes.

Submissions (4):

Ambry Genetics
Classification: Uncertain significance for Inborn genetic diseases. Last evaluated: 2023-09-29. Review status: criteria provided, single submitter. Criteria: Ambry Variant Classification Scheme 2023. Collection method: clinical testing. Allele origin: germline.

Mayo Clinic Laboratories, Mayo Clinic
Classification: Uncertain significance. Last evaluated: 2023-04-27. Review status: criteria provided, single submitter. Criteria: ACMG Guidelines, 2015. Collection method: clinical testing. Allele origin: germline. Observed: 1 variant allele.
Comment: BP4

Labcorp Genetics (formerly Invitae), Labcorp
Classification: Uncertain significance for Peroxisome biogenesis disorder, complementation group 7. Last evaluated: 2022-08-16. Review status: criteria provided, single submitter. Criteria: Invitae Variant Classification Sherloc (09022015). Collection method: clinical testing. Allele origin: germline.
Comment: This sequence change replaces arginine, which is basic and polar, with histidine, which is basic and polar, at codon 143 of the PEX10 protein (p.Arg143His). This variant is present in population databases (rs766596553, gnomAD 0.05%). This variant has not been reported in the literature in individuals affected with PEX10-related conditions. ClinVar contains an entry for this variant (Variation ID: 1505575). Algorithms developed to predict the effect of missense changes on protein structure and function output the following: SIFT: "Tolerated"; PolyPhen-2: "Benign"; Align-GVGD: "Class C0". The histidine amino acid residue is found in multiple mammalian species, which suggests that this missense change does not adversely affect protein function. In summary, the available evidence is currently insufficient to determine the role of this variant in disease. Therefore, it has been classified as a Variant of Uncertain Significance.

PreventionGenetics, part of Exact Sciences
Classification: Uncertain significance for PEX10-related condition. Last evaluated: 2024-08-13. Review status: no assertion criteria provided. Collection method: clinical testing. Allele origin: germline. Not counted in ClinVar's aggregate classification.
Comment: The PEX10 c.428G>A variant is predicted to result in the amino acid substitution p.Arg143His. To our knowledge, this variant has not been reported in the literature. This variant is reported in 0.057% of alleles in individuals of East Asian descent in gnomAD. At this time, the clinical significance of this variant is uncertain due to the absence of conclusive functional and genetic evidence.